The following is an entry in ClinVar:

ClinVar aggregate classification (germline): Likely benign. Review status: criteria provided, multiple submitters, no conflicts (2 of 4 stars). 2 submissions from 2 submitters: Likely benign (2). Last evaluated 2024-06-25.

Conditions:
Brugada syndrome. Also called: Sudden unexplained nocturnal death syndrome; Sudden Unexplained Death Syndrome; Sudden Unexplained Nocturnal Death Syndrome (SUNDS); Sudden unexpected nocturnal death syndrome. Identifiers: Orphanet 130, MedGen C1142166, MONDO:0015263.

Allele frequency attached by ClinVar (database versions not stated): ExAC 0.00001; gnomAD exomes 0.00002 and 0.00006; TOPMed 0.00002; gnomAD 0.00003 and 0.00004.
gnomAD v4.1: 73 of 1,362,380 alleles (0.0054%); highest among the groups gnomAD compares: Non-Finnish European, 0.0075%; no homozygotes.

Submissions (2):

Labcorp Genetics (formerly Invitae), Labcorp
Classification: Likely benign for Brugada syndrome. Last evaluated: 2024-06-25. Review status: criteria provided, single submitter. Criteria: Invitae Variant Classification Sherloc (09022015). Collection method: clinical testing. Allele origin: germline.

GeneDx
Classification: Likely benign. Last evaluated: 2017-10-20. Review status: criteria provided, single submitter. Criteria: GeneDx Variant Classification (06012015). Collection method: clinical testing. Allele origin: germline. Affected: yes.
Comment: This variant is considered likely benign or benign based on one or more of the following criteria: it is a conservative change, it occurs at a poorly conserved position in the protein, it is predicted to be benign by multiple in silico algorithms, and/or has population frequency not consistent with disease.

NM_000722.4(CACNA2D1):c.2054-20A>G

Gene: CACNA2D1 (calcium voltage-gated channel auxiliary subunit alpha2delta 1; minus strand). Cytogenetic location: 7q21.11.
Variant type: single nucleotide variant.
Coding change: c.2054-20A>G on transcript NM_000722.4 (MANE Select); 20 bases into the intron before coding-DNA position 2054, A replaced by G.
Molecular consequence: intron variant.
Genome position (GRCh38, 1-based): chr7:81,971,884, T>C on the plus strand (A>G on the coding strand, the complement: CACNA2D1 is on the minus strand). VCF-style: chr7-81971884-T-C. GRCh37 (hg19) VCF-style: chr7-81601200-T-C.
Other names: c.2054-20A>G (LRG_437t1); c.2090-20A>G (NM_001366867.1).
Identifiers: ClinVar variation 512682 (VCV000512682.8), dbSNP rs751143429, ClinGen allele CA4317759.